The following is an entry in ClinVar:

NM_006118.4(HAX1):c.93A>T (p.Glu31Asp)

Gene: HAX1 (HCLS1 associated protein X-1; plus strand). Cytogenetic location: 1q21.3.
Variant type: single nucleotide variant.
Coding change: c.93A>T on transcript NM_006118.4 (MANE Select); coding-DNA position 93, A replaced by T.
Protein change: p.Glu31Asp; replaces glutamic acid 31 with aspartic acid.
Molecular consequence: missense variant. On other transcripts: intron variant (1).
Genome position (GRCh38, 1-based): chr1:154,273,375, A>T. VCF-style: chr1-154273375-A-T. GRCh37 (hg19) VCF-style: chr1-154245851-A-T.
Other names: c.54-105A>T (NM_001018837.2); short protein forms E31D.
Identifiers: ClinVar variation 3856903 (VCV003856903.1).

ClinVar aggregate classification (germline): Uncertain significance (1 of 4 stars; one submission).

Conditions:
Inborn genetic diseases. Identifiers: MedGen C0950123, MeSH D030342.

gnomAD v4.1: 10 of 1,613,914 alleles (0.00062%); highest among the groups gnomAD compares: Non-Finnish European, 0.00068%; no homozygotes.

Submission:

Ambry Genetics
Classification: Uncertain significance for Inborn genetic diseases. Last evaluated: 2025-03-05. Review status: criteria provided, single submitter. Criteria: Ambry Variant Classification Scheme 2023. Collection method: clinical testing. Allele origin: germline.
Comment: The p.E31D variant (also known as c.93A>T), located in coding exon 2 of the HAX1 gene, results from an A to T substitution at nucleotide position 93. The glutamic acid at codon 31 is replaced by aspartic acid, an amino acid with highly similar properties. This amino acid position is conserved. In addition, this alteration is predicted to be tolerated by in silico analysis. Based on the available evidence, the clinical significance of this variant remains unclear.